The following is an entry in ClinVar:

ClinVar aggregate classification (germline): Likely benign (0 of 4 stars; one submission).

Conditions:
PRKCB-related disorder. Also called: PRKCB-related condition.

Allele frequency attached by ClinVar (database versions not stated): ExAC 0.00002; gnomAD exomes 0.00003; TOPMed 0.00008; gnomAD 0.00009.
gnomAD v4.1: 53 of 1,613,974 alleles (0.0033%); highest among the groups gnomAD compares: Admixed American, 0.018%; no homozygotes.

Submission:

PreventionGenetics, part of Exact Sciences
Classification: Likely benign for PRKCB-related condition. Last evaluated: 2019-07-30. Review status: no assertion criteria provided. Collection method: clinical testing. Allele origin: germline.
Comment: This variant is classified as likely benign based on ACMG/AMP sequence variant interpretation guidelines (Richards et al. 2015 PMID: 25741868, with internal and published modifications).

NM_002738.7(PRKCB):c.*5171C>T

Gene: PRKCB (protein kinase C beta; plus strand). Cytogenetic location: 16p12.1.
Variant type: single nucleotide variant.
Coding change: c.*5171C>T on transcript NM_002738.7 (MANE Select); 5171 bases downstream of the stop codon, C replaced by T.
Molecular consequence: 3 prime UTR variant. On other transcripts: synonymous variant (1).
Genome position (GRCh38, 1-based): chr16:24,219,987, C>T. VCF-style: chr16-24219987-C-T. GRCh37 (hg19) VCF-style: chr16-24231308-C-T.
Other names: c.1890C>T, p.Phe630= (NM_212535.3).
Identifiers: ClinVar variation 3050094 (VCV003050094.2), dbSNP rs778710250, ClinGen allele CA7966711.